The following is an entry in ClinVar:

NM_031263.4(HNRNPK):c.1038C>T (p.Asp346=)

Gene: HNRNPK (heterogeneous nuclear ribonucleoprotein K; minus strand). Cytogenetic location: 9q21.32.
Variant type: single nucleotide variant.
Coding change: c.1038C>T on transcript NM_031263.4 (MANE Select); coding-DNA position 1038, C replaced by T.
Protein change: p.Asp346=; no amino-acid change (aspartic acid 346 retained).
Molecular consequence: synonymous variant.
Genome position (GRCh38, 1-based): chr9:83,971,327, G>A on the plus strand (C>T on the coding strand, the complement: HNRNPK is on the minus strand). VCF-style: chr9-83971327-G-A. GRCh37 (hg19) VCF-style: chr9-86586242-G-A.
Other names: c.966C>T, p.Asp322= (NM_001318186.2, NM_001318187.2); c.1038C>T, p.Asp346= (NM_001318188.2, NM_002140.5, NM_031262.4).
Identifiers: ClinVar variation 3673861 (VCV003673861.3).

ClinVar aggregate classification (germline): Likely benign. Review status: criteria provided, multiple submitters, no conflicts (2 of 4 stars). 2 submissions from 2 submitters: Likely benign (2). Last evaluated 2026-07-01.

gnomAD v4.1: 9 of 1,612,178 alleles (0.00056%); highest among the groups gnomAD compares: Admixed American, 0.0017%; no homozygotes.

Submissions (2):

CeGaT Center for Human Genetics Tuebingen
Classification: Likely benign. Last evaluated: 2026-07-01. Review status: criteria provided, single submitter. Criteria: CeGaT Center For Human Genetics Tuebingen Variant Classification Criteria Version 2. Collection method: clinical testing. Allele origin: germline. Affected: yes. Observed: 1 variant allele.
Comment: HNRNPK: BP4, BP7

Labcorp Genetics (formerly Invitae), Labcorp
Classification: Likely benign. Last evaluated: 2024-07-30. Review status: criteria provided, single submitter. Criteria: Invitae Variant Classification Sherloc (09022015). Collection method: clinical testing. Allele origin: germline.